The following is an entry in ClinVar:

NM_001377299.1(NDUFS2):c.1342G>A (p.Val448Ile)

Gene: NDUFS2 (NADH:ubiquinone oxidoreductase core subunit S2; plus strand). Cytogenetic location: 1q23.3.
Variant type: single nucleotide variant.
Coding change: c.1342G>A on transcript NM_001377299.1 (MANE Select); coding-DNA position 1342, G replaced by A.
Protein change: p.Val448Ile; replaces valine 448 with isoleucine.
Molecular consequence: missense variant. On other transcripts: non-coding transcript variant (1).
Genome position (GRCh38, 1-based): chr1:161,213,909, G>A. VCF-style: chr1-161213909-G-A. GRCh37 (hg19) VCF-style: chr1-161183699-G-A.
Other names: c.1342G>A, p.Val448Ile (NM_001166159.2, NM_001377298.1, NM_001377300.1 and 3 more transcripts); c.1264G>A, p.Val422Ile (NM_001410889.1); short protein forms V448I, V422I.
Identifiers: ClinVar variation 1973021 (VCV001973021.7), dbSNP rs1332029804, ClinGen allele CA343383224.

ClinVar aggregate classification (germline): Uncertain significance. Review status: criteria provided, multiple submitters, no conflicts (2 of 4 stars). 3 submissions from 3 submitters: Uncertain significance (3). Last evaluated 2023-04-11.

Conditions:
Mitochondrial complex I deficiency, nuclear type 6. Also called: Mitochondrial complex 1 deficiency, nuclear type 6. Identifiers: MedGen C4748759, MONDO:0032611, OMIM 618228.
Inborn genetic diseases. Identifiers: MedGen C0950123, MeSH D030342.

Allele frequency attached by ClinVar (database versions not stated): gnomAD 0.00001; gnomAD exomes 0.00001; TOPMed 0.00001.
gnomAD v4.1: 16 of 1,614,028 alleles (0.00099%); highest among the groups gnomAD compares: Admixed American, 0.0067%; no homozygotes.

Submissions (3):

Genome-Nilou Lab
Classification: Uncertain significance for Mitochondrial complex I deficiency, nuclear type 6. Last evaluated: 2023-04-11. Review status: criteria provided, single submitter. Criteria: ACMG Guidelines, 2015. Collection method: clinical testing. Allele origin: germline. Affected: no.

Labcorp Genetics (formerly Invitae), Labcorp
Classification: Uncertain significance. Last evaluated: 2022-04-03. Review status: criteria provided, single submitter. Criteria: Invitae Variant Classification Sherloc (09022015). Collection method: clinical testing. Allele origin: germline.
Comment: In summary, the available evidence is currently insufficient to determine the role of this variant in disease. Therefore, it has been classified as a Variant of Uncertain Significance. Algorithms developed to predict the effect of missense changes on protein structure and function (SIFT, PolyPhen-2, Align-GVGD) all suggest that this variant is likely to be disruptive. This variant has not been reported in the literature in individuals affected with NDUFS2-related conditions. This variant is present in population databases (no rsID available, gnomAD 0.009%). This sequence change replaces valine, which is neutral and non-polar, with isoleucine, which is neutral and non-polar, at codon 448 of the NDUFS2 protein (p.Val448Ile).

Ambry Genetics
Classification: Uncertain significance for Inborn genetic diseases. Last evaluated: 2021-05-27. Review status: criteria provided, single submitter. Criteria: Ambry Variant Classification Scheme 2023. Collection method: clinical testing. Allele origin: germline.